The following is an entry in ClinVar:

NM_018943.3(TUBA8):c.803C>T (p.Pro268Leu)

Gene: TUBA8 (tubulin alpha 8; plus strand). Cytogenetic location: 22q11.21.
Variant type: single nucleotide variant.
Coding change: c.803C>T on transcript NM_018943.3 (MANE Select); coding-DNA position 803, C replaced by T.
Protein change: p.Pro268Leu; replaces proline 268 with leucine.
Molecular consequence: missense variant.
Genome position (GRCh38, 1-based): chr22:18,126,781, C>T. VCF-style: chr22-18126781-C-T. GRCh37 (hg19) VCF-style: chr22-18609548-C-T.
Other names: c.605C>T, p.Pro202Leu (NM_001193414.2); short protein forms P202L, P268L.
Identifiers: ClinVar variation 1219953 (VCV001219953.12), dbSNP rs138147707, ClinGen allele CA10093760.

ClinVar aggregate classification (germline): Uncertain significance. Review status: criteria provided, multiple submitters, no conflicts (2 of 4 stars). 3 submissions from 3 submitters: Uncertain significance (3). Last evaluated 2025-06-02.

Allele frequency attached by ClinVar (database versions not stated): ExAC 0.00002; gnomAD exomes 0.00002 and 0.00003; ESP Exome Variant Server 0.00008; gnomAD 0.00009 and 0.00011; TOPMed 0.00012.
gnomAD v4.1: 52 of 1,613,976 alleles (0.0032%); highest among the groups gnomAD compares: African/African-American, 0.041%; no homozygotes.

Submissions (3):

Labcorp Genetics (formerly Invitae), Labcorp
Classification: Uncertain significance. Last evaluated: 2025-06-02. Review status: criteria provided, single submitter. Criteria: Invitae Variant Classification Sherloc (09022015). Collection method: clinical testing. Allele origin: germline.
Comment: This sequence change replaces proline, which is neutral and non-polar, with leucine, which is neutral and non-polar, at codon 268 of the TUBA8 protein (p.Pro268Leu). This variant is present in population databases (rs138147707, gnomAD 0.02%). This variant has not been reported in the literature in individuals affected with TUBA8-related conditions. ClinVar contains an entry for this variant (Variation ID: 1219953). Invitae Evidence Modeling of protein sequence and biophysical properties (such as structural, functional, and spatial information, amino acid conservation, physicochemical variation, residue mobility, and thermodynamic stability) indicates that this missense variant is expected to disrupt TUBA8 protein function with a positive predictive value of 80%. In summary, the available evidence is currently insufficient to determine the role of this variant in disease. Therefore, it has been classified as a Variant of Uncertain Significance.

Ambry Genetics
Classification: Uncertain significance. Last evaluated: 2025-01-01. Review status: criteria provided, single submitter. Criteria: Ambry Variant Classification Scheme 2023. Collection method: clinical testing. Allele origin: germline.

GeneDx
Classification: Uncertain significance. Last evaluated: 2020-02-20. Review status: criteria provided, single submitter. Criteria: GeneDx Variant Classification Process June 2021. Collection method: clinical testing. Allele origin: germline. Affected: yes.
Comment: In silico analysis supports that this missense variant has a deleterious effect on protein structure/function; Has not been previously published as pathogenic or benign to our knowledge